The following is an entry in ClinVar:

NM_004006.3(DMD):c.6290+30957A>C

Gene: DMD (dystrophin; minus strand). Cytogenetic location: Xp21.1.
Variant type: single nucleotide variant.
Coding change: c.6290+30957A>C on transcript NM_004006.3 (MANE Select); 30957 bases into the intron after coding-DNA position 6290, A replaced by C.
Molecular consequence: intron variant.
Genome position (GRCh38, 1-based): chrX:32,256,572, T>G on the plus strand (A>C on the coding strand, the complement: DMD is on the minus strand). VCF-style: chrX-32256572-T-G. GRCh37 (hg19) VCF-style: chrX-32274689-T-G.
Other names: c.6266+30957A>C (NM_000109.4); c.2267+30957A>C (NM_004011.4); c.2258+30957A>C (NM_004012.4); c.6278+30957A>C (NM_004009.3); c.5921+30957A>C (NM_004010.3); c.6290+30957A>C (NM_004006.2).
Identifiers: ClinVar variation 811920 (VCV000811920.9), dbSNP rs759078487, ClinGen allele CA328526206.
Genomic context (GRCh38, chrX:32,256,572, plus strand): 5'-TTTAAAGTTAATATTGTCATGTGTGAATGTGATCCTGTAATTATGATGTTGGTTAGTTAT[T>G]TTGCCTGTTAGTTGAGGCAGTTTCTTCATAGGGTCGATGGTCTTTACAATTTGGTATGTT-3'

ClinVar aggregate classification (germline): Benign. Review status: criteria provided, single submitter (1 of 4 stars). 2 submissions from 2 submitters: Benign (1). 1 of the submissions does not count toward it. Last evaluated 2019-02-14.

Conditions:
DMD-related disorder. Also called: DMD-related condition.

Allele frequency attached by ClinVar (database versions not stated): gnomAD 0.00055 and 0.00061; TOPMed 0.00066; 1000 Genomes Project 0.00079; 1000 Genomes Project 30x 0.00083.
gnomAD v4.1: 60 of 110,982 alleles (0.054%); highest among the groups gnomAD compares: African/African-American, 0.2%; 1 homozygote.

Submissions (2):

ARUP Laboratories, Molecular Genetics and Genomics, ARUP Laboratories
Classification: Benign. Last evaluated: 2019-02-14. Review status: criteria provided, single submitter. Criteria: ARUP Molecular Germline Variant Investigation Process. Collection method: clinical testing. Allele origin: germline.

PreventionGenetics, part of Exact Sciences
Classification: Likely benign for DMD-related condition. Last evaluated: 2024-04-03. Review status: no assertion criteria provided. Collection method: clinical testing. Allele origin: germline. Not counted in ClinVar's aggregate classification.
Comment: This variant is classified as likely benign based on ACMG/AMP sequence variant interpretation guidelines (Richards et al. 2015 PMID: 25741868, with internal and published modifications).